The following is an entry in ClinVar:

NM_032043.3(BRIP1):c.1759C>A (p.His587Asn)

Gene: BRIP1 (BRCA1 interacting DNA helicase 1; minus strand). Cytogenetic location: 17q23.2.
Variant type: single nucleotide variant.
Coding change: c.1759C>A on transcript NM_032043.3 (MANE Select); coding-DNA position 1759, C replaced by A.
Protein change: p.His587Asn; replaces histidine 587 with asparagine.
Molecular consequence: missense variant.
Genome position (GRCh38, 1-based): chr17:61,780,875, G>T on the plus strand (C>A on the coding strand, the complement: BRIP1 is on the minus strand). VCF-style: chr17-61780875-G-T. GRCh37 (hg19) VCF-style: chr17-59858236-G-T.
Other names: short protein forms H587N.
Identifiers: ClinVar variation 853394 (VCV000853394.10), dbSNP rs876660519, ClinGen allele CA400480316.

ClinVar aggregate classification (germline): Uncertain significance (1 of 4 stars; one submission).

Conditions:
Familial cancer of breast. Also called: hereditary breast carcinoma; BREAST CANCER, FAMILIAL; Hereditary breast cancer. Identifiers: Orphanet 227535, MedGen C0346153, MONDO:0016419, OMIM 114480. Disease mechanism: loss of function.
Fanconi anemia complementation group J. Also called: BRIP1-Related Fanconi Anemia. Identifiers: Orphanet 84, MedGen C1836860, MONDO:0012187, OMIM 609054.

Submission:

Labcorp Genetics (formerly Invitae), Labcorp
Classification: Uncertain significance for Familial cancer of breast; Fanconi anemia complementation group J. Last evaluated: 2022-09-23. Review status: criteria provided, single submitter. Criteria: Invitae Variant Classification Sherloc (09022015). Collection method: clinical testing. Allele origin: germline.
Comment: ClinVar contains an entry for this variant (Variation ID: 853394). In summary, the available evidence is currently insufficient to determine the role of this variant in disease. Therefore, it has been classified as a Variant of Uncertain Significance. Advanced modeling of protein sequence and biophysical properties (such as structural, functional, and spatial information, amino acid conservation, physicochemical variation, residue mobility, and thermodynamic stability) performed at Invitae indicates that this missense variant is not expected to disrupt BRIP1 protein function. This variant has not been reported in the literature in individuals affected with BRIP1-related conditions. This variant is not present in population databases (gnomAD no frequency). This sequence change replaces histidine, which is basic and polar, with asparagine, which is neutral and polar, at codon 587 of the BRIP1 protein (p.His587Asn).